The following is an entry in ClinVar:

ClinVar aggregate classification (germline): Uncertain significance (1 of 4 stars; one submission).

Conditions:
Inborn genetic diseases. Identifiers: MedGen C0950123, MeSH D030342.

Submission:

Ambry Genetics
Classification: Uncertain significance for Inborn genetic diseases. Last evaluated: 2026-08-31. Review status: criteria provided, single submitter. Criteria: Ambry Variant Classification Scheme 2023. Collection method: clinical testing. Allele origin: germline.
Comment: The p.K375R variant (also known as c.1124A>G), located in coding exon 9 of the KDM1A gene, results from an A to G substitution at nucleotide position 1124. The lysine at codon 375 is replaced by arginine, an amino acid with highly similar properties. This amino acid position is conserved. In addition, the in silico prediction for this alteration is inconclusive. Based on the available evidence, the clinical significance of this variant remains unclear.

NM_001009999.3(KDM1A):c.1124A>G (p.Lys375Arg)

Gene: KDM1A (lysine demethylase 1A; plus strand). Cytogenetic location: 1p36.12.
Variant type: single nucleotide variant.
Coding change: c.1124A>G on transcript NM_001009999.3 (MANE Select); coding-DNA position 1124, A replaced by G.
Protein change: p.Lys375Arg; replaces lysine 375 with arginine.
Molecular consequence: missense variant.
Genome position (GRCh38, 1-based): chr1:23,059,124, A>G. VCF-style: chr1-23059124-A-G. GRCh37 (hg19) VCF-style: chr1-23385617-A-G.
Other names: c.1064A>G, p.Lys355Arg (NM_001363654.2, NM_001410763.1, NM_015013.4); c.1124A>G, p.Lys375Arg (NM_001410762.1); short protein forms K375R, K355R.
Identifiers: ClinVar variation 5023103 (VCV005023103.1).